The following is an entry in ClinVar:

NM_003072.5(SMARCA4):c.1518G>A (p.Thr506=)

Gene: SMARCA4 (SWI/SNF related BAF chromatin remodeling complex subunit ATPase 4; plus strand). Cytogenetic location: 19p13.2.
Variant type: single nucleotide variant.
Coding change: c.1518G>A on transcript NM_003072.5 (MANE Select); coding-DNA position 1518, G replaced by A.
Protein change: p.Thr506=; no amino-acid change (threonine 506 retained).
Molecular consequence: synonymous variant. On other transcripts: non-coding transcript variant (1).
Genome position (GRCh38, 1-based): chr19:10,994,926, G>A. VCF-style: chr19-10994926-G-A. GRCh37 (hg19) VCF-style: chr19-11105602-G-A.
Other names: c.1518G>A, p.Thr506= (NM_001128844.3, NM_001128845.2, NM_001128846.2 and 5 more transcripts).
Identifiers: ClinVar variation 480570 (VCV000480570.22), dbSNP rs145369952, ClinGen allele CA9203791.

ClinVar aggregate classification (germline): Benign/Likely benign. Review status: criteria provided, multiple submitters, no conflicts (2 of 4 stars). 7 submissions from 7 submitters: Benign (1); Likely benign (6). Last evaluated 2026-07-10.

Conditions:
Rhabdoid tumor predisposition syndrome 2 (RTPS2). Identifiers: Orphanet 231108, Orphanet 69077, MedGen C2750074, MONDO:0013224, OMIM 613325.
Hereditary cancer-predisposing syndrome. Also called: Tumor predisposition; Neoplastic Syndromes, Hereditary; Hereditary Cancer Syndrome; Hereditary neoplastic syndrome. Identifiers: Orphanet 140162, MedGen C0027672, MeSH D009386, MONDO:0015356.
SMARCA4-related disorder. Also called: SMARCA4-related condition.

Allele frequency attached by ClinVar (database versions not stated): 1000 Genomes Project 30x 0.00016; 1000 Genomes Project 0.00020; gnomAD 0.00002; TOPMed 0.00002; ESP Exome Variant Server 0.00008.
gnomAD v4.1: 18 of 1,614,154 alleles (0.0011%); highest among the groups gnomAD compares: South Asian, 0.0077%; no homozygotes.

Submissions (7):

Myriad Genetics, Inc.
Classification: Benign for Rhabdoid tumor predisposition syndrome 2. Last evaluated: 2026-07-10. Review status: criteria provided, single submitter. Criteria: Myriad Autosomal Dominant, Autosomal Recessive and X-Linked Classification Criteria (2023). Collection method: clinical testing. Allele origin: unknown.
Comment: This variant is considered benign. This variant is a silent/synonymous amino acid change and it is not expected to impact splicing.

CeGaT Center for Human Genetics Tuebingen
Classification: Likely benign. Last evaluated: 2026-05-01. Review status: criteria provided, single submitter. Criteria: CeGaT Center For Human Genetics Tuebingen Variant Classification Criteria Version 2. Collection method: clinical testing. Allele origin: germline. Affected: yes. Observed: 2 variant alleles.
Comment: SMARCA4: BP4, BP7

Labcorp Genetics (formerly Invitae), Labcorp
Classification: Likely benign for Rhabdoid tumor predisposition syndrome 2. Last evaluated: 2025-10-31. Review status: criteria provided, single submitter. Criteria: Invitae Variant Classification Sherloc (09022015). Collection method: clinical testing. Allele origin: germline.

PreventionGenetics, part of Exact Sciences
Classification: Likely benign for SMARCA4-related condition. Last evaluated: 2024-10-08. Review status: criteria provided, single submitter. Criteria: ACMG Guidelines, 2015. Collection method: clinical testing. Allele origin: germline.
Comment: This variant is classified as likely benign based on ACMG/AMP sequence variant interpretation guidelines (Richards et al. 2015 PMID: 25741868, with internal and published modifications).

Quest Diagnostics Nichols Institute San Juan Capistrano
Classification: Likely benign. Last evaluated: 2023-07-07. Review status: criteria provided, single submitter. Criteria: Quest Diagnostics criteria. Collection method: clinical testing. Allele origin: unknown.

GeneDx
Classification: Likely benign. Last evaluated: 2017-04-27. Review status: criteria provided, single submitter. Criteria: GeneDx Variant Classification (06012015). Collection method: clinical testing. Allele origin: germline. Affected: yes.
Comment: This variant is considered likely benign or benign based on one or more of the following criteria: it is a conservative change, it occurs at a poorly conserved position in the protein, it is predicted to be benign by multiple in silico algorithms, and/or has population frequency not consistent with disease.

Ambry Genetics
Classification: Likely benign for Hereditary cancer-predisposing syndrome. Last evaluated: 2015-08-10. Review status: criteria provided, single submitter. Criteria: Ambry Variant Classification Scheme 2023. Collection method: clinical testing. Allele origin: germline.